The following is an entry in ClinVar:

ClinVar aggregate classification (germline): Uncertain significance. Review status: criteria provided, multiple submitters, no conflicts (2 of 4 stars). 3 submissions from 3 submitters: Uncertain significance (3). Last evaluated 2025-03-04.

Conditions:
DICER1-related tumor predisposition. Also called: DICER1 syndrome; DICER1-related pleuropulmonary blastoma cancer predisposition syndrome. Identifiers: Orphanet 284343, MedGen C3839822, MONDO:0100216.
Hereditary cancer-predisposing syndrome. Also called: Neoplastic Syndromes, Hereditary; Hereditary neoplastic syndrome; Tumor predisposition; Hereditary Cancer Syndrome. Identifiers: Orphanet 140162, MedGen C0027672, MeSH D009386, MONDO:0015356.

Allele frequency attached by ClinVar (database versions not stated): gnomAD exomes below 0.00001; ExAC 0.00001.

Submissions (3):

Center for Genomic Medicine, Rigshospitalet, Copenhagen University Hospital
Classification: Uncertain significance. Last evaluated: 2025-03-04. Review status: criteria provided, single submitter. Criteria: ACMG Guidelines, 2015. Collection method: clinical testing. Allele origin: germline.

Ambry Genetics
Classification: Uncertain significance for Hereditary cancer-predisposing syndrome. Last evaluated: 2022-10-12. Review status: criteria provided, single submitter. Criteria: Ambry Variant Classification Scheme 2023. Collection method: clinical testing. Allele origin: germline.
Comment: The p.I181V variant (also known as c.541A>G), located in coding exon 4 of the DICER1 gene, results from an A to G substitution at nucleotide position 541. The isoleucine at codon 181 is replaced by valine, an amino acid with highly similar properties. This amino acid position is conserved. In addition, this alteration is predicted to be tolerated by in silico analysis. Since supporting evidence is limited at this time, the clinical significance of this alteration remains unclear.

Labcorp Genetics (formerly Invitae), Labcorp
Classification: Uncertain significance for DICER1-related tumor predisposition. Last evaluated: 2019-12-06. Review status: criteria provided, single submitter. Criteria: Invitae Variant Classification Sherloc (09022015). Collection method: clinical testing. Allele origin: germline.
Comment: In summary, the available evidence is currently insufficient to determine the role of this variant in disease. Therefore, it has been classified as a Variant of Uncertain Significance. Algorithms developed to predict the effect of sequence changes on RNA splicing suggest that this variant may create or strengthen a splice site, but this prediction has not been confirmed by published transcriptional studies. Algorithms developed to predict the effect of missense changes on protein structure and function (SIFT, PolyPhen-2, Align-GVGD) all suggest that this variant is likely to be tolerated, but these predictions have not been confirmed by published functional studies and their clinical significance is uncertain. This variant has not been reported in the literature in individuals with DICER1-related disease. This variant is present in population databases (rs761253717, ExAC 0.006%). This sequence change replaces isoleucine with valine at codon 181 of the DICER1 protein (p.Ile181Val). The isoleucine residue is highly conserved and there is a small physicochemical difference between isoleucine and valine.

NM_177438.3(DICER1):c.541A>G (p.Ile181Val)

Gene: DICER1 (dicer 1, ribonuclease III; minus strand). Cytogenetic location: 14q32.13.
Variant type: single nucleotide variant.
Coding change: c.541A>G on transcript NM_177438.3 (MANE Select); coding-DNA position 541, A replaced by G.
Protein change: p.Ile181Val; replaces isoleucine 181 with valine.
Molecular consequence: missense variant.
Genome position (GRCh38, 1-based): chr14:95,130,090, T>C on the plus strand (A>G on the coding strand, the complement: DICER1 is on the minus strand). VCF-style: chr14-95130090-T-C. GRCh37 (hg19) VCF-style: chr14-95596427-T-C.
Other names: c.541A>G, p.Ile181Val (NM_001195573.1, NM_001271282.3, NM_001291628.2 and 1 more transcripts); short protein forms I181V.
Identifiers: ClinVar variation 664469 (VCV000664469.18), dbSNP rs761253717, ClinGen allele CA7331643.